The following is an entry in ClinVar:

NM_001040142.2(SCN2A):c.4705G>A (p.Val1569Met)

Gene: SCN2A (sodium voltage-gated channel alpha subunit 2; plus strand). Cytogenetic location: 2q24.3.
Variant type: single nucleotide variant.
Coding change: c.4705G>A on transcript NM_001040142.2 (MANE Select); coding-DNA position 4705, G replaced by A.
Protein change: p.Val1569Met; replaces valine 1569 with methionine.
Molecular consequence: missense variant.
Genome position (GRCh38, 1-based): chr2:165,386,899, G>A. VCF-style: chr2-165386899-G-A. GRCh37 (hg19) VCF-style: chr2-166243409-G-A.
Other names: c.4705G>A, p.Val1569Met (NM_001040143.2, NM_001371246.1, NM_001371247.1 and 1 more transcripts); c.4705G>A (NM_021007.2); short protein forms V1569M.
Identifiers: ClinVar variation 2435688 (VCV002435688.6), dbSNP rs2468149841, ClinGen allele CA349036569.
Genomic context (GRCh38, chr2:165,386,899, plus strand): 5'-ATGGTGGAAACCGATGACCAGAGTCAAGAAATGACAAACATTCTGTACTGGATTAATCTG[G>A]TGTTTATTGTTCTGTTCACTGGAGAATGTGTGCTGAAACTGATCTCTCTTCGTTACTACT-3'
Protein context (NP_001035232.1, residues 1559-1579): MTNILYWINL[Val1569Met]FIVLFTGECV

ClinVar aggregate classification (germline): Uncertain significance. Review status: criteria provided, multiple submitters, no conflicts (2 of 4 stars). 2 submissions from 2 submitters: Uncertain significance (2). Last evaluated 2025-07-09.

Conditions:
Inborn genetic diseases. Identifiers: MedGen C0950123, MeSH D030342.

Submissions (2):

Ambry Genetics
Classification: Uncertain significance for Inborn genetic diseases. Last evaluated: 2025-07-09. Review status: criteria provided, single submitter. Criteria: Ambry Variant Classification Scheme 2023. Collection method: clinical testing. Allele origin: germline.
Comment: The c.4705G>A (p.V1569M) alteration is located in exon 26 (coding exon 25) of the SCN2A gene. This alteration results from a G to A substitution at nucleotide position 4705, causing the valine (V) at amino acid position 1569 to be replaced by a methionine (M). This variant was not reported in population-based cohorts in the Genome Aggregation Database (gnomAD). This amino acid position is well conserved in available vertebrate species. This missense alteration is located in a region that has a low rate of benign missense variation (Lek, 2016; Firth, 2009). This alteration is predicted to be deleterious by in silico analysis. Based on insufficient or conflicting evidence, the clinical significance of this alteration remains unclear.

Revvity Omics, Revvity
Classification: Uncertain significance. Last evaluated: 2022-06-29. Review status: criteria provided, single submitter. Criteria: ACMG Guidelines, 2015. Collection method: clinical testing. Allele origin: germline.